The following is an entry in ClinVar:

ClinVar aggregate classification (germline): Uncertain significance (1 of 4 stars; one submission).

Conditions:
Hereditary cancer-predisposing syndrome. Also called: Neoplastic Syndromes, Hereditary; Tumor predisposition; Hereditary Cancer Syndrome; Hereditary neoplastic syndrome. Identifiers: Orphanet 140162, MedGen C0027672, MeSH D009386, MONDO:0015356.

Submission:

Ambry Genetics
Classification: Uncertain significance for Hereditary cancer-predisposing syndrome. Last evaluated: 2025-10-31. Review status: criteria provided, single submitter. Criteria: Ambry Variant Classification Scheme 2023. Collection method: clinical testing. Allele origin: germline.
Comment: The p.L423R variant (also known as c.1268T>G), located in coding exon 12 of the FANCC gene, results from a T to G substitution at nucleotide position 1268. The leucine at codon 423 is replaced by arginine, an amino acid with dissimilar properties. This amino acid position is conserved. In addition, this alteration is predicted to be deleterious by in silico analysis. Based on the available evidence, the clinical significance of this variant remains unclear.

NM_000136.3(FANCC):c.1268T>G (p.Leu423Arg)

Genes: AOPEP (aminopeptidase O (putative); plus strand), FANCC (FA complementation group C; minus strand). Cytogenetic location: 9q22.32.
Variant type: single nucleotide variant.
Coding change: c.1268T>G on transcript NM_000136.3 (MANE Select); coding-DNA position 1268, T replaced by G.
Protein change: p.Leu423Arg; replaces leucine 423 with arginine.
Molecular consequence: missense variant.
Genome position (GRCh38, 1-based): chr9:95,111,524, A>C on the plus strand (T>G on the coding strand, the complement: FANCC is on the minus strand). VCF-style: chr9-95111524-A-C. GRCh37 (hg19) VCF-style: chr9-97873806-A-C.
Other names: c.1268T>G, p.Leu423Arg (NM_001243743.2, NM_001243744.2); short protein forms L423R.
Identifiers: ClinVar variation 4641166 (VCV004641166.1).